The following is an entry in ClinVar:

NM_000092.5(COL4A4):c.771C>T (p.Thr257=)

Gene: COL4A4 (collagen type IV alpha 4 chain; minus strand). Cytogenetic location: 2q36.3.
Variant type: single nucleotide variant.
Coding change: c.771C>T on transcript NM_000092.5 (MANE Select); coding-DNA position 771, C replaced by T.
Protein change: p.Thr257=; no amino-acid change (threonine 257 retained).
Molecular consequence: synonymous variant.
Genome position (GRCh38, 1-based): chr2:227,104,017, G>A on the plus strand (C>T on the coding strand, the complement: COL4A4 is on the minus strand). VCF-style: chr2-227104017-G-A. GRCh37 (hg19) VCF-style: chr2-227968733-G-A.
Identifiers: ClinVar variation 755428 (VCV000755428.43), dbSNP rs372387985, ClinGen allele CA2145432.

ClinVar aggregate classification (germline): Likely benign. Review status: criteria provided, multiple submitters, no conflicts (2 of 4 stars). 6 submissions from 6 submitters: Likely benign (4). 2 of the submissions do not count toward it. Last evaluated 2026-01-24.

Conditions:
COL4A4-related disorder.
Alport syndrome. Also called: Hemorrhagic familial nephritis; Hemorrhagic hereditary nephritis; Congenital hereditary hematuria. Identifiers: Orphanet 63, MedGen C1567741, MONDO:0018965.

Allele frequency attached by ClinVar (database versions not stated): gnomAD 0.00011; gnomAD exomes 0.00011 and 0.00013; TOPMed 0.00012; ExAC 0.00013; ESP Exome Variant Server 0.00025.

Submissions (6):

Labcorp Genetics (formerly Invitae), Labcorp
Classification: Likely benign. Last evaluated: 2026-01-24. Review status: criteria provided, single submitter. Criteria: Invitae Variant Classification Sherloc (09022015). Collection method: clinical testing. Allele origin: germline.

CeGaT Center for Human Genetics Tuebingen
Classification: Likely benign. Last evaluated: 2025-10-01. Review status: criteria provided, single submitter. Criteria: CeGaT Center For Human Genetics Tuebingen Variant Classification Criteria Version 2. Collection method: clinical testing. Allele origin: germline. Affected: yes. Observed: 2 variant alleles.
Comment: COL4A4: BP4, BP7

Blueprint Genetics
Classification: Likely benign. Last evaluated: 2024-11-06. Review status: criteria provided, single submitter. Criteria: ACMG Guidelines, 2015. Collection method: clinical testing. Allele origin: germline.

GeneDx
Classification: Likely benign. Last evaluated: 2021-06-07. Review status: criteria provided, single submitter. Criteria: GeneDx Variant Classification Process June 2021. Collection method: clinical testing. Allele origin: germline. Affected: yes.

Natera, Inc.
Classification: Uncertain significance for Alport syndrome. Last evaluated: 2020-01-12. Review status: no assertion criteria provided. Collection method: clinical testing. Allele origin: germline. Not counted in ClinVar's aggregate classification.

PreventionGenetics, part of Exact Sciences
Classification: Likely benign for COL4A4-related condition. Last evaluated: 2019-09-12. Review status: no assertion criteria provided. Collection method: clinical testing. Allele origin: germline. Not counted in ClinVar's aggregate classification.
Comment: This variant is classified as likely benign based on ACMG/AMP sequence variant interpretation guidelines (Richards et al. 2015 PMID: 25741868, with internal and published modifications).